The following is an entry in ClinVar:

NM_024426.6(WT1):c.412C>A (p.Pro138Thr)

Genes: WT1 (WT1 transcription factor; minus strand), LOC107982234 (WT1/WT1-AS bi-directional promoter region; plus strand). Cytogenetic location: 11p13.
Variant type: single nucleotide variant.
Coding change: c.412C>A on transcript NM_024426.6 (MANE Select); coding-DNA position 412, C replaced by A.
Protein change: p.Pro138Thr; replaces proline 138 with threonine.
Molecular consequence: missense variant. On other transcripts: non-coding transcript variant (2).
Genome position (GRCh38, 1-based): chr11:32,434,949, G>T on the plus strand (C>A on the coding strand, the complement: WT1 is on the minus strand). VCF-style: chr11-32434949-G-T. GRCh37 (hg19) VCF-style: chr11-32456495-G-T.
Other names: c.412C>A, p.Pro138Thr (NM_000378.6, NM_001407044.1, NM_001407045.1 and 6 more transcripts); c.193C>A, p.Pro65Thr (NM_001429031.1, NM_001429032.1, NM_001429033.1 and 1 more transcripts); c.397C>A, p.Pro133Thr (NM_024425.2); short protein forms P133T, P138T, P65T.
Identifiers: ClinVar variation 3072227 (VCV003072227.1), dbSNP rs544477985, ClinGen allele CA379965738.
Genomic context (GRCh38, chr11:32,434,949, plus strand): 5'-CGTGCGGCTCCGCGCCGCCCCAGCTCGGCTCCTGTTTGATGAAGGAGTGAGGCGGCGGCG[G>T]CGGGGGTGGCGGCGGAGCCGGTGGCGGCGCGGGGCCGCCCAACGACCCGTAAGCCGAAGC-3'
Protein context (NP_077744.4, residues 128-148): APPPAPPPPP[Pro138Thr]PPPHSFIKQE

ClinVar aggregate classification (germline): Uncertain significance (1 of 4 stars; one submission).

Conditions:
Wilms tumor 1 (WT1). Also called: Wilms tumor, somatic. Identifiers: Orphanet 654, MedGen CN033288, MONDO:0008679, OMIM 194070.

Submission:

All of Us Research Program, National Institutes of Health
Classification: Uncertain significance for Wilms tumor 1. Last evaluated: 2023-06-26. Review status: criteria provided, single submitter. Criteria: ACMG Guidelines, 2015. Collection method: clinical testing. Allele origin: germline. Inheritance: Autosomal dominant inheritance. Observed: 1 variant allele, 1 heterozygote.
Comment: This variant is located in the WT1 protein. Computational prediction suggests that this variant may not impact protein structure and function (internally defined REVEL score threshold <= 0.5, PMID: 27666373). To our knowledge, functional studies have not been reported for this variant. This variant has not been reported in individuals affected with WT1-related disorders in the literature. This variant has not been identified in the general population by the Genome Aggregation Database (gnomAD). The available evidence is insufficient to determine the role of this variant in disease conclusively. Therefore, this variant is classified as a Variant of Uncertain Significance.

This study involves interpretation of variants in research participants for the purpose of population health screening. Participant phenotype was not available at the time of variant classification. Additional details can be found in publication PMID: 35346344, PMCID: PMC8962531